The following is an entry in ClinVar:

ClinVar aggregate classification (germline): Likely pathogenic. Review status: criteria provided, multiple submitters, no conflicts (2 of 4 stars). 3 submissions from 3 submitters: Likely pathogenic (3). Last evaluated 2022-06-20.

Conditions:
Marfan syndrome (MFS). Also called: FBN1-Related Marfan Syndrome; Marfan syndrome, classic; MARFAN SYNDROME, TYPE I; Marfan syndrome type 1; Marfan's syndrome. Identifiers: Orphanet 284963, Orphanet 558, MedGen C0024796, MONDO:0007947, OMIM 154700.
Familial thoracic aortic aneurysm and aortic dissection (TAAD). Also called: Thoracic aortic aneurysms and dissections. Identifiers: Orphanet 91387, MedGen C4707243, MONDO:0019625.

Submissions (3):

Labcorp Genetics (formerly Invitae), Labcorp
Classification: Likely pathogenic for Marfan syndrome; Familial thoracic aortic aneurysm and aortic dissection. Last evaluated: 2022-06-20. Review status: criteria provided, single submitter. Criteria: Invitae Variant Classification Sherloc (09022015). Collection method: clinical testing. Allele origin: germline.
Comment: This sequence change replaces asparagine, which is neutral and polar, with aspartic acid, which is acidic and polar, at codon 1907 of the FBN1 protein (p.Asn1907Asp). This variant is not present in population databases (gnomAD no frequency). This variant has not been reported in the literature in individuals affected with FBN1-related conditions. ClinVar contains an entry for this variant (Variation ID: 42387). Advanced modeling of protein sequence and biophysical properties (such as structural, functional, and spatial information, amino acid conservation, physicochemical variation, residue mobility, and thermodynamic stability) performed at Invitae indicates that this missense variant is expected to disrupt FBN1 protein function. This variant disrupts the p.Asn1907 amino acid residue in FBN1. Other variant(s) that disrupt this residue have been determined to be pathogenic (PMID: 17657824, 27906200; Invitae). This suggests that this residue is clinically significant, and that variants that disrupt this residue are likely to be disease-causing. In summary, the currently available evidence indicates that the variant is pathogenic, but additional data are needed to prove that conclusively. Therefore, this variant has been classified as Likely Pathogenic.

Victorian Clinical Genetics Services, Murdoch Childrens Research Institute
Classification: Likely pathogenic for Marfan syndrome. Last evaluated: 2022-02-02. Review status: criteria provided, single submitter. Criteria: ACMG Guidelines, 2015. Collection method: clinical testing. Allele origin: germline. Inheritance: Autosomal dominant inheritance.
Comment: Based on the classification scheme VCGS_Germline_v1.3.4, this variant is classified as Likely pathogenic. Following criteria are met: 0103 - Dominant negative and loss of function are known mechanisms of disease in this gene and are associated with FBN1-related disease. Variants predicted to result in nonsense mediated decay cause loss of function effects, and are more commonly associated with severe Marfan syndrome (MIM#154700). Missense variants with both dominant negative and loss of function effects on protein function, are associated with Marfan syndrome and ectopia lentis (MIM#129600) (OMIM, PMID: 29357934). The exact genotype-phenotype correlation for this gene is still unclear, and is compounded by variable expressivity (PMID: 20301510). (I) 0107 - This gene is predominantly associated with autosomal dominant disease; autosomal recessive forms of Marfan syndrome have been reported infrequently (PMID: 27274304; 31950671). 0115 - Variants in this gene are known to have variable expressivity. The genotype-phenotype correlations for this gene are unclear, with single variants reported in patients with a range of phenotypes (PMID: 20301510, OMIM). (I) 0200 - Variant is predicted to result in a missense amino acid change from asparagine to aspartic acid. (I) 0251 - This variant is heterozygous. (I) 0301 - Variant is absent from gnomAD (both v2 and v3). (SP) 0501 - Missense variant consistently predicted to be damaging by multiple in silico tools or highly conserved with a major amino acid change. (SP) 0600 - Variant is located in the annotated calcium-binding EGF domain (DECIPHER). (I) 0702 - Other missense variants comparable to the one identified in this case have strong previous evidence for pathogenicity. Alternative amino acid changes to serine, lysine, and histidine, have been reported in individuals with Marfan syndrome (PMID: 17657824, PMID: 24793577, PMID: 25652356, UMD-FBN1 database, ClinVar). (SP) 0809 - Previous evidence of pathogenicity for this variant is inconclusive. This variant has been reported as a VUS in ClinVar. (I) 0905 - No published segregation evidence has been identified for this variant. (I) 1007 - No published functional evidence has been identified for this variant. (I) 1208 - Inheritance information for this variant is not currently available in this individual. (I) Legend: (SP) - Supporting pathogenic, (I) - Information, (SB) - Supporting benign

Laboratory for Molecular Medicine, Mass General Brigham Personalized Medicine
Classification: Likely pathogenic for Marfan syndrome. Last evaluated: 2021-09-07. Review status: criteria provided, single submitter. Criteria: ACMG Guidelines, 2015. Collection method: clinical testing. Allele origin: germline. Inheritance: Autosomal dominant inheritance.
Comment: It was absent from large population studies. Computational prediction tools and conservation analyses suggest that this variant may impact the protein. Another variant involving this codon (p.Asn1907Lys) has been identified in individuals with Marfan syndrome and is classified as likely pathogenic by this laboratory. In summary, although additional studies are required to fully establish its clinical significance, this variant meets criteria to be classified as likely pathogenic for autosomal dominant Marfan syndrome. ACMG/AMP Criteria applied: PS4_Supporting, PM6, PM2_Supporting, PP3, PM5_Supporting.

Literature cited by the submitters: PubMed 17657824 (cited by Labcorp Genetics (formerly Invitae), Labcorp and Victorian Clinical Genetics Services, Murdoch Childrens Research Institute); PubMed 27906200 (cited by Labcorp Genetics (formerly Invitae), Labcorp); NCBI Bookshelf NBK1335 (cited by Victorian Clinical Genetics Services, Murdoch Childrens Research Institute); PubMed 20301510 (cited by Victorian Clinical Genetics Services, Murdoch Childrens Research Institute); PubMed 24793577 (cited by Victorian Clinical Genetics Services, Murdoch Childrens Research Institute); PubMed 25652356 (cited by Victorian Clinical Genetics Services, Murdoch Childrens Research Institute); PubMed 27274304 (cited by Victorian Clinical Genetics Services, Murdoch Childrens Research Institute); PubMed 29357934 (cited by Victorian Clinical Genetics Services, Murdoch Childrens Research Institute); PubMed 31950671 (cited by Victorian Clinical Genetics Services, Murdoch Childrens Research Institute).

NM_000138.5(FBN1):c.5719A>G (p.Asn1907Asp)

Gene: FBN1 (fibrillin 1; minus strand). Cytogenetic location: 15q21.1.
Variant type: single nucleotide variant.
Coding change: c.5719A>G on transcript NM_000138.5 (MANE Select); coding-DNA position 5719, A replaced by G.
Protein change: p.Asn1907Asp; replaces asparagine 1907 with aspartic acid.
Molecular consequence: missense variant.
Genome position (GRCh38, 1-based): chr15:48,446,775, T>C on the plus strand (A>G on the coding strand, the complement: FBN1 is on the minus strand). VCF-style: chr15-48446775-T-C. GRCh37 (hg19) VCF-style: chr15-48738972-T-C.
Other names: short protein forms N1907D.
Identifiers: ClinVar variation 42387 (VCV000042387.13), dbSNP rs397515824, ClinGen allele CA015987.